The following is an entry in ClinVar:

NM_207189.4(BRDT):c.1209T>C (p.Asn403=)

Gene: BRDT (bromodomain testis associated; plus strand). Cytogenetic location: 1p22.1.
Variant type: single nucleotide variant.
Coding change: c.1209T>C on transcript NM_207189.4 (MANE Select); coding-DNA position 1209, T replaced by C.
Protein change: p.Asn403=; no amino-acid change (asparagine 403 retained).
Molecular consequence: synonymous variant.
Genome position (GRCh38, 1-based): chr1:91,979,679, T>C. VCF-style: chr1-91979679-T-C. GRCh37 (hg19) VCF-style: chr1-92445236-T-C.
Other names: c.1209T>C, p.Asn403= (NM_001242805.2, NM_001726.4); c.1221T>C, p.Asn407= (NM_001242806.2); c.1071T>C, p.Asn357= (NM_001242807.2, NM_001242808.2); c.990T>C, p.Asn330= (NM_001242810.2).
Identifiers: ClinVar variation 3037564 (VCV003037564.2), dbSNP rs780337264, ClinGen allele CA948597.

ClinVar aggregate classification (germline): Likely benign (0 of 4 stars; one submission).

Conditions:
BRDT-related disorder. Also called: BRDT-related condition.

Allele frequency attached by ClinVar (database versions not stated): gnomAD exomes 0.00007; gnomAD 0.00013; TOPMed 0.00018; ExAC 0.00025.
gnomAD v4.1: 119 of 1,614,074 alleles (0.0074%); highest among the groups gnomAD compares: Admixed American, 0.18%; no homozygotes.

Submission:

PreventionGenetics, part of Exact Sciences
Classification: Likely benign for BRDT-related condition. Last evaluated: 2019-03-27. Review status: no assertion criteria provided. Collection method: clinical testing. Allele origin: germline.
Comment: This variant is classified as likely benign based on ACMG/AMP sequence variant interpretation guidelines (Richards et al. 2015 PMID: 25741868, with internal and published modifications).